The following is an entry in ClinVar:

ClinVar aggregate classification (germline): Uncertain significance (1 of 4 stars; one submission).

Submission:

Labcorp Genetics (formerly Invitae), Labcorp
Classification: Uncertain significance. Last evaluated: 2022-11-01. Review status: criteria provided, single submitter. Criteria: Invitae Variant Classification Sherloc (09022015). Collection method: clinical testing. Allele origin: germline.
Comment: This sequence change falls in intron 39 of the COL11A1 gene. It does not directly change the encoded amino acid sequence of the COL11A1 protein. It affects a nucleotide within the consensus splice site. This variant is not present in population databases (gnomAD no frequency). This variant has not been reported in the literature in individuals affected with COL11A1-related conditions. ClinVar contains an entry for this variant (Variation ID: 1396470). Variants that disrupt the consensus splice site are a relatively common cause of aberrant splicing (PMID: 17576681, 9536098). Algorithms developed to predict the effect of sequence changes on RNA splicing suggest that this variant may create or strengthen a splice site. In summary, the available evidence is currently insufficient to determine the role of this variant in disease. Therefore, it has been classified as a Variant of Uncertain Significance.

Literature cited by the submitters: PubMed 17576681; PubMed 9536098.

NM_001854.4(COL11A1):c.3024+3A>G

Gene: COL11A1 (collagen type XI alpha 1 chain; minus strand). Cytogenetic location: 1p21.1.
Variant type: single nucleotide variant.
Coding change: c.3024+3A>G on transcript NM_001854.4 (MANE Select); 3 bases into the intron after coding-DNA position 3024, A replaced by G.
Molecular consequence: intron variant.
Genome position (GRCh38, 1-based): chr1:102,962,650, T>C on the plus strand (A>G on the coding strand, the complement: COL11A1 is on the minus strand). VCF-style: chr1-102962650-T-C. GRCh37 (hg19) VCF-style: chr1-103428206-T-C.
Other names: c.2907+3A>G (NM_001190709.2); c.3060+3A>G (NM_080629.3); c.2676+3A>G (NM_080630.4).
Identifiers: ClinVar variation 1396470 (VCV001396470.6), dbSNP rs2101575873, ClinGen allele CA2573130878.
Genomic context (GRCh38, chr1:102,962,650, plus strand): 5'-TGAGTATAGTTAAACATAAATTAAAGTTTTGGGCCAAAAAAAGTTTTCTGAAGCATGTTG[T>C]ACCTTTGCACCTTCTTTTCCTGCAGCACCAGGAAGACCTTGCTCACCAGGAGGGCCAGGA-3'